The following is an entry in ClinVar:

ClinVar aggregate classification (germline): Benign. Review status: criteria provided, multiple submitters, no conflicts (2 of 4 stars). 3 submissions from 3 submitters: Benign (3). Last evaluated 2020-01-11.

Conditions:
Cystinuria (CSNU). Also called: CYSTINURIA, TYPE I; CYSTINURIA, TYPE II; CYSTINURIA, TYPE III; Cystinuria, non-type I. Identifiers: Orphanet 214, MedGen C0010691, MONDO:0009067, OMIM 220100, HP:0003131.

Allele frequency attached by ClinVar (database versions not stated): TOPMed 0.16881; 1000 Genomes Project 0.17492; gnomAD 0.18414; 1000 Genomes Project 30x 0.17505.
gnomAD v4.1: 178,708 of 1,086,512 alleles (16%); highest among the groups gnomAD compares: East Asian, 21%; 15,484 homozygotes.

Submissions (3):

GeneDx
Classification: Benign. Last evaluated: 2020-01-11. Review status: criteria provided, single submitter. Criteria: GeneDx Variant Classification Process June 2021. Collection method: clinical testing. Allele origin: germline. Affected: yes.

Illumina Laboratory Services, Illumina
Classification: Benign for Cystinuria. Last evaluated: 2018-01-13. Review status: criteria provided, single submitter. Criteria: ICSL Variant Classification Criteria 13 December 2019. Collection method: clinical testing. Allele origin: germline.
Comment: This variant was observed in the ICSL laboratory as part of a predisposition screen in an ostensibly healthy population. It had not been previously curated by ICSL or reported in the Human Gene Mutation Database (HGMD: prior to June 1st, 2018), and was therefore a candidate for classification through an automated scoring system. Utilizing variant allele frequency, disease prevalence and penetrance estimates, and inheritance mode, an automated score was calculated to assess if this variant is too frequent to cause the disease. Based on the score and internal cut-off values, a variant classified as benign is not then subjected to further curation. The score for this variant resulted in a classification of benign for this disease.

Breakthrough Genomics
Classification: Benign. Review status: criteria provided, single submitter. Criteria: ACMG Guidelines, 2015. Collection method: not provided. Allele origin: germline. Inheritance: Autosomal dominant inheritance. Affected: yes.

NM_014270.5(SLC7A9):c.*79T>C

Gene: SLC7A9 (solute carrier family 7 member 9; minus strand). Cytogenetic location: 19q13.11.
Variant type: single nucleotide variant.
Coding change: c.*79T>C on transcript NM_014270.5 (MANE Select); 79 bases downstream of the stop codon, T replaced by C.
Molecular consequence: 3 prime UTR variant.
Genome position (GRCh38, 1-based): chr19:32,830,541, A>G on the plus strand (T>C on the coding strand, the complement: SLC7A9 is on the minus strand). VCF-style: chr19-32830541-A-G. GRCh37 (hg19) VCF-style: chr19-33321447-A-G.
Other names: c.*79T>C (NM_001126335.2, NM_001243036.2).
Identifiers: ClinVar variation 328740 (VCV000328740.9), dbSNP rs2287884, ClinGen allele CA10642564.